The following is an entry in ClinVar:

ClinVar aggregate classification (germline): Likely pathogenic (1 of 4 stars; one submission).

Conditions:
Tuberous sclerosis 1 (TSC1). Identifiers: Orphanet 805, MedGen C1854465, MONDO:0008612, OMIM 191100.

Submission:

Labcorp Genetics (formerly Invitae), Labcorp
Classification: Likely pathogenic for Tuberous sclerosis 1. Last evaluated: 2019-01-25. Review status: criteria provided, single submitter. Criteria: Invitae Variant Classification Sherloc (09022015). Collection method: clinical testing. Allele origin: germline.
Comment: In summary, the currently available evidence indicates that the variant is pathogenic, but additional data are needed to prove that conclusively. Therefore, this variant has been classified as Likely Pathogenic. Donor and acceptor splice site variants typically lead to a loss of protein function (PMID: 16199547), and loss-of-function variants in TSC1 are known to be pathogenic (PMID: 10227394, 17304050). Algorithms developed to predict the effect of sequence changes on RNA splicing suggest that this variant may disrupt the consensus splice site, but this prediction has not been confirmed by published transcriptional studies. This variant has not been reported in the literature in individuals with TSC1-related conditions. This variant is not present in population databases (ExAC no frequency). This sequence change affects a donor splice site in intron 5 of the TSC1 gene. It is expected to disrupt RNA splicing and likely results in an absent or disrupted protein product.

Literature cited by the submitters: PubMed 16199547; PubMed 10227394; PubMed 17304050.

NM_000368.5(TSC1):c.363+2_363+5del

Gene: TSC1 (TSC complex subunit 1; minus strand). Cytogenetic location: 9q34.13.
Variant type: Deletion.
Coding change: c.363+2_363+5del on transcript NM_000368.5 (MANE Select); the canonical splice donor site of the intron after coding-DNA position 363 through 5 bases into the intron after coding-DNA position 363, 4 bases deleted (TAGG; older notation c.363+2_363+5delTAGG).
Molecular consequence: splice donor variant. On other transcripts: intron variant (1).
Genome position (GRCh38, 1-based): chr9:132,925,582-132,925,585, CCTA deleted on the plus strand (TAGG on the coding strand, the reverse complement: TSC1 is on the minus strand); deleting any 4 consecutive bases within chr9:132,925,582-132,925,588 gives the same sequence; the c. name uses the placement nearest the transcript's 3' end. VCF-style (leftmost placement, unchanged base first): chr9-132925581-TCCTA-T. GRCh37 (hg19) VCF-style: chr9-135800968-TCCTA-T.
Other names: c.-1+2_-1+5del (NM_001362177.2); c.210+1616_210+1619del (NM_001162427.2); c.363+2_363+5del (NM_001162426.2).
Identifiers: ClinVar variation 844684 (VCV000844684.7), dbSNP rs1846806279, ClinGen allele CA916081562.
Genomic context (GRCh38, chr9:132,925,581, plus strand): 5'-GTTGCCTAAAATTTCAGAAACTATACTCATAAAACCATTTCATTCAAATCCTTACAAACA[TCCTA>T]CCTTGAGACATTTTAGTAAAGAAGGCAAAAGAGGTGCTTGAGAGAGCTTATGCTTCCAAG-3'